The following is an entry in ClinVar:

ClinVar aggregate classification (germline): Benign. Review status: criteria provided, multiple submitters, no conflicts (2 of 4 stars). 6 submissions from 6 submitters: Benign (4). 2 of the submissions do not count toward it. Last evaluated 2021-07-15.

Conditions:
Autosomal recessive spinocerebellar ataxia 11. Identifiers: Orphanet 284271, MedGen C5190803, MONDO:0013645, OMIM 614229.

Allele frequency attached by ClinVar (database versions not stated): 1000 Genomes Project 30x 0.07230; 1000 Genomes Project 0.07528; TOPMed 0.08629; ESP Exome Variant Server 0.09888; gnomAD 0.09972 and 0.10051; gnomAD exomes 0.11397 and 0.12950; ExAC 0.11835.
gnomAD v4.1: 203,731 of 1,613,152 alleles (13%); highest among the groups gnomAD compares: Non-Finnish European, 14%; 14,130 homozygotes.

Submissions (6):

Genome-Nilou Lab
Classification: Benign for Autosomal recessive spinocerebellar ataxia 11. Last evaluated: 2021-07-15. Review status: criteria provided, single submitter. Criteria: ACMG Guidelines, 2015. Collection method: clinical testing. Allele origin: germline. Affected: no.

GeneDx
Classification: Benign. Last evaluated: 2021-05-05. Review status: criteria provided, single submitter. Criteria: GeneDx Variant Classification Process June 2021. Collection method: clinical testing. Allele origin: germline. Affected: yes.

Clinical Genetics DNA and cytogenetics Diagnostics Lab, Erasmus MC, Erasmus Medical Center
Classification: Benign for Autosomal recessive spinocerebellar ataxia 11. Last evaluated: 2015-09-21. Review status: criteria provided, single submitter. Criteria: ACGS Guidelines, 2013. Collection method: clinical testing. Allele origin: germline. Affected: yes. Study: VKGL Data-share Consensus.

Breakthrough Genomics
Classification: Benign. Review status: criteria provided, single submitter. Criteria: ACMG Guidelines, 2015. Collection method: not provided. Allele origin: germline. Inheritance: Autosomal recessive inheritance. Affected: yes.

Diagnostic Laboratory, Department of Genetics, University Medical Center Groningen
Classification: Benign for Autosomal recessive spinocerebellar ataxia 11. Review status: no assertion criteria provided. Collection method: clinical testing. Allele origin: germline. Affected: yes. Study: VKGL Data-share Consensus. Not counted in ClinVar's aggregate classification.

Genetic Services Laboratory, University of Chicago
Classification: Likely benign for AllHighlyPenetrant. Review status: no assertion criteria provided. Collection method: clinical testing. Allele origin: germline. Inheritance: Autosomal recessive inheritance. Not counted in ClinVar's aggregate classification.
Comment: Likely benign based on allele frequency in 1000 Genomes Project or ESP global frequency and its presence in a patient with a rare or unrelated disease phenotype. NOT Sanger confirmed.

NM_001146262.4(SYT14):c.1419T>C (p.Tyr473=)

Gene: SYT14 (synaptotagmin 14; plus strand). Cytogenetic location: 1q32.2.
Variant type: single nucleotide variant.
Coding change: c.1419T>C on transcript NM_001146262.4 (MANE Select); coding-DNA position 1419, T replaced by C.
Protein change: p.Tyr473=; no amino-acid change (tyrosine 473 retained).
Molecular consequence: synonymous variant. On other transcripts: non-coding transcript variant (1).
Genome position (GRCh38, 1-based): chr1:210,160,736, T>C. VCF-style: chr1-210160736-T-C. GRCh37 (hg19) VCF-style: chr1-210334081-T-C.
Other names: c.1554T>C (NM_001146261.2); c.1554T>C, p.Tyr518= (NM_001146261.4); c.1497T>C, p.Tyr499= (NM_001146264.4); c.1248T>C, p.Tyr416= (NM_001256006.3); c.2232T>C, p.Tyr744= (NM_001397544.1, NM_001397545.1); c.1362T>C, p.Tyr454= (NM_153262.5).
Identifiers: ClinVar variation 130533 (VCV000130533.13), dbSNP rs17188183, ClinGen allele CA155646.